The following is an entry in ClinVar:

ClinVar aggregate classification (germline): Likely benign (1 of 4 stars; one submission).

Conditions:
Cornelia de Lange syndrome 1 (CDLS1). Also called: TYPUS DEGENERATIVUS AMSTELODAMENSIS; Brachmann de Lange syndrome; NIPBL-Related Cornelia de Lange Syndrome. Identifiers: Orphanet 199, MedGen C4551851, MONDO:0007387, OMIM 122470.

gnomAD v4.1: 1 of 1,605,004 alleles (0.000062%); highest among the groups gnomAD compares: South Asian, 0.0011%; no homozygotes.

Submission:

Centre for Medical Genetics,  Mumbai
Classification: Likely benign for Cornelia de Lange syndrome 1. Last evaluated: 2026-05-02. Review status: criteria provided, single submitter. Criteria: ACMG Guidelines, 2015. Collection method: provider interpretation. Allele origin: germline. Inheritance: Autosomal dominant inheritance. Affected: no. Observed: 1 variant allele, 1 heterozygote.
Comment: The variant satisfies PM2 criteria - extremely low frequency in gnomAD population databases. The variant satisfies PP2 criteria - missense variant in a gene with low rate of benign missense mutations and for which missense mutation is a common mechanism of a disease. Hence, should be considered as a likely benign variant.

Literature cited by the submitters: PubMed 15146185.

NM_133433.4(NIPBL):c.5793A>T (p.Leu1931Phe)

Gene: NIPBL (NIPBL cohesin loading factor; plus strand). Cytogenetic location: 5p13.2.
Variant type: single nucleotide variant.
Coding change: c.5793A>T on transcript NM_133433.4 (MANE Select); coding-DNA position 5793, A replaced by T.
Protein change: p.Leu1931Phe; replaces leucine 1931 with phenylalanine.
Molecular consequence: missense variant.
Genome position (GRCh38, 1-based): chr5:37,026,312, A>T. VCF-style: chr5-37026312-A-T. GRCh37 (hg19) VCF-style: chr5-37026414-A-T.
Other names: c.5793A>T, p.Leu1931Phe (NM_001438586.1, NM_015384.5); short protein forms L1931F.
Identifiers: ClinVar variation 4852280 (VCV004852280.1).